The following is an entry in ClinVar:

ClinVar aggregate classification (germline): Uncertain significance (1 of 4 stars; one submission).

Submission:

Labcorp Genetics (formerly Invitae), Labcorp
Classification: Uncertain significance. Last evaluated: 2024-10-03. Review status: criteria provided, single submitter. Criteria: Invitae Variant Classification Sherloc (09022015). Collection method: clinical testing. Allele origin: germline.
Comment: This sequence change replaces serine, which is neutral and polar, with arginine, which is basic and polar, at codon 202 of the FECH protein (p.Ser202Arg). This variant is not present in population databases (gnomAD no frequency). This missense change has been observed in individual(s) with FECH-related conditions (PMID: 30454868). Invitae Evidence Modeling of protein sequence and biophysical properties (such as structural, functional, and spatial information, amino acid conservation, physicochemical variation, residue mobility, and thermodynamic stability) indicates that this missense variant is expected to disrupt FECH protein function with a positive predictive value of 80%. In summary, the available evidence is currently insufficient to determine the role of this variant in disease. Therefore, it has been classified as a Variant of Uncertain Significance.

Literature cited by the submitters: PubMed 30454868.

NM_000140.5(FECH):c.606C>G (p.Ser202Arg)

Gene: FECH (ferrochelatase; minus strand). Cytogenetic location: 18q21.31.
Variant type: single nucleotide variant.
Coding change: c.606C>G on transcript NM_000140.5 (MANE Select); coding-DNA position 606, C replaced by G.
Protein change: p.Ser202Arg; replaces serine 202 with arginine.
Molecular consequence: missense variant.
Genome position (GRCh38, 1-based): chr18:57,562,973, G>C on the plus strand (C>G on the coding strand, the complement: FECH is on the minus strand). VCF-style: chr18-57562973-G-C. GRCh37 (hg19) VCF-style: chr18-55230205-G-C.
Other names: c.624C>G, p.Ser208Arg (NM_001012515.4); c.606C>G, p.Ser202Arg (NM_001371094.1, NM_001374778.1); c.390C>G, p.Ser130Arg (NM_001371095.1); short protein forms S130R, S202R, S208R.
Identifiers: ClinVar variation 3609778 (VCV003609778.2).